The following is an entry in ClinVar:

NM_003719.5(PDE8B):c.63C>T (p.Asp21=)

Gene: PDE8B (phosphodiesterase 8B; plus strand). Cytogenetic location: 5q13.3.
Variant type: single nucleotide variant.
Coding change: c.63C>T on transcript NM_003719.5 (MANE Select); coding-DNA position 63, C replaced by T.
Protein change: p.Asp21=; no amino-acid change (aspartic acid 21 retained).
Molecular consequence: synonymous variant. On other transcripts: 5 prime UTR variant (1), intron variant (13).
Genome position (GRCh38, 1-based): chr5:77,210,988, C>T. VCF-style: chr5-77210988-C-T. GRCh37 (hg19) VCF-style: chr5-76506813-C-T.
Other names: c.63C>T, p.Asp21= (NM_001029851.4, NM_001029852.4, NM_001029853.4 and 7 more transcripts); c.-307C>T (NM_001349753.2); c.36+30502C>T (NM_001349750.3, NM_001376069.1, NM_001376062.1 and 7 more transcripts); c.-34+942C>T (NM_001376067.1, NM_001376075.1); c.-31+942C>T (NM_001376068.1).
Identifiers: ClinVar variation 354145 (VCV000354145.15), dbSNP rs201411330, ClinGen allele CA3314802.
Genomic context (GRCh38, chr5:77,210,988, plus strand): 5'-GGGCTGCGCCCCCAGCATCCATGTCTCGCAGAGCGGCGTGATCTACTGCCGGGACTCGGA[C>T]GAGTCCAGCTCGCCCCGCCAGACCACCAGCGTGTCGCAGGGCCCGGCGGCACCCCTGCCC-3'
Protein context (NP_003710.1, residues 11-31): QSGVIYCRDS[Asp21=]ESSSPRQTTS

ClinVar aggregate classification (germline): Benign. Review status: criteria provided, multiple submitters, no conflicts (2 of 4 stars). 3 submissions from 3 submitters: Benign (3). Last evaluated 2026-01-27.

Conditions:
Autosomal dominant striatal neurodegeneration type 1. Identifiers: Orphanet 228169, MedGen C4310808, MONDO:0012205, OMIM 609161.

Allele frequency attached by ClinVar (database versions not stated): gnomAD exomes 0.00064; ExAC 0.00155; ESP Exome Variant Server 0.00353; gnomAD 0.00403 and 0.00439; TOPMed 0.00437; 1000 Genomes Project 0.00439; 1000 Genomes Project 30x 0.00453.
gnomAD v4.1: 1,149 of 1,541,786 alleles (0.075%); highest among the groups gnomAD compares: African/African-American, 1.5%; 10 homozygotes.

Submissions (3):

Labcorp Genetics (formerly Invitae), Labcorp
Classification: Benign. Last evaluated: 2026-01-27. Review status: criteria provided, single submitter. Criteria: Invitae Variant Classification Sherloc (09022015). Collection method: clinical testing. Allele origin: germline.

Illumina Laboratory Services, Illumina
Classification: Benign for Autosomal dominant striatal neurodegeneration type 1. Last evaluated: 2018-01-13. Review status: criteria provided, single submitter. Criteria: ICSL Variant Classification Criteria 13 December 2019. Collection method: clinical testing. Allele origin: germline.
Comment: This variant was observed in the ICSL laboratory as part of a predisposition screen in an ostensibly healthy population. It had not been previously curated by ICSL or reported in the Human Gene Mutation Database (HGMD: prior to June 1st, 2018), and was therefore a candidate for classification through an automated scoring system. Utilizing variant allele frequency, disease prevalence and penetrance estimates, and inheritance mode, an automated score was calculated to assess if this variant is too frequent to cause the disease. Based on the score and internal cut-off values, a variant classified as benign is not then subjected to further curation. The score for this variant resulted in a classification of benign for this disease.

Breakthrough Genomics
Classification: Benign. Review status: criteria provided, single submitter. Criteria: ACMG Guidelines, 2015. Collection method: not provided. Allele origin: germline. Inheritance: Autosomal dominant inheritance. Affected: yes.